The following is an entry in ClinVar:

ClinVar aggregate classification (germline): Benign. Review status: criteria provided, multiple submitters, no conflicts (2 of 4 stars). 5 submissions from 3 submitters: Benign (5). Last evaluated 2021-07-14.

Conditions:
Pituitary adenoma 5, multiple types. Identifiers: MedGen C4539685, MONDO:0054601, OMIM 617540.
Usher syndrome type 1D (USH1D). Also called: USHER SYNDROME, TYPE ID. Identifiers: Orphanet 231169, Orphanet 886, MedGen C1832845, MONDO:0010984, OMIM 601067.
Autosomal recessive nonsyndromic hearing loss 12. Also called: DEAFNESS, AUTOSOMAL RECESSIVE 12. Identifiers: Orphanet 90636, MedGen C1832394, MONDO:0011067, OMIM 601386.

Allele frequency attached by ClinVar (database versions not stated): 1000 Genomes Project 30x 0.54466; 1000 Genomes Project 0.54952; TOPMed 0.57918; gnomAD 0.61986; gnomAD exomes 0.70458.
gnomAD v4.1: 1,016,152 of 1,465,802 alleles (69%); highest among the groups gnomAD compares: South Asian, 74%; 359,161 homozygotes.

Submissions (5):

Genome-Nilou Lab
Classification: Benign for Autosomal recessive nonsyndromic hearing loss 12. Last evaluated: 2021-07-14. Review status: criteria provided, single submitter. Criteria: ACMG Guidelines, 2015. Collection method: clinical testing. Allele origin: germline. Affected: no.

Genome-Nilou Lab
Classification: Benign for Usher syndrome type 1D. Last evaluated: 2021-07-14. Review status: criteria provided, single submitter. Criteria: ACMG Guidelines, 2015. Collection method: clinical testing. Allele origin: germline. Affected: no.

Genome-Nilou Lab
Classification: Benign for Pituitary adenoma 5, multiple types. Last evaluated: 2021-07-14. Review status: criteria provided, single submitter. Criteria: ACMG Guidelines, 2015. Collection method: clinical testing. Allele origin: germline. Affected: no.

GeneDx
Classification: Benign. Last evaluated: 2018-06-13. Review status: criteria provided, single submitter. Criteria: GeneDx Variant Classification (06012015). Collection method: clinical testing. Allele origin: germline. Affected: yes.
Comment: This variant is considered likely benign or benign based on one or more of the following criteria: it is a conservative change, it occurs at a poorly conserved position in the protein, it is predicted to be benign by multiple in silico algorithms, and/or has population frequency not consistent with disease.

Breakthrough Genomics
Classification: Benign. Review status: criteria provided, single submitter. Criteria: ACMG Guidelines, 2015. Collection method: not provided. Allele origin: germline. Inheritance: Autosomal recessive inheritance. Affected: yes.

NM_022124.6(CDH23):c.1134+164C>G

Gene: CDH23 (cadherin related 23; plus strand). Cytogenetic location: 10q22.1.
Variant type: single nucleotide variant.
Coding change: c.1134+164C>G on transcript NM_022124.6 (MANE Select); 164 bases into the intron after coding-DNA position 1134, C replaced by G.
Molecular consequence: intron variant. On other transcripts: 3 prime UTR variant (1).
Genome position (GRCh38, 1-based): chr10:71,617,557, C>G. VCF-style: chr10-71617557-C-G. GRCh37 (hg19) VCF-style: chr10-73377314-C-G.
Other names: c.*77C>G (NM_001171932.2); c.1134+164C>G (NM_001171930.2, NM_001171931.2, NM_052836.4).
Identifiers: ClinVar variation 670322 (VCV000670322.5), dbSNP rs7903772, ClinGen allele CA13309657.
Genomic context (GRCh38, chr10:71,617,557, plus strand): 5'-GCGGCACCCCACTCCTGGTAGGTTCTGAGGATAAATAAGGCTGAAAAAAAAATCACTAGT[C>G]TCTACTTTTGGATTATCCCCTACACCCTGCAAAAAACATGTAAGCACATGTTTCCATATG-3'